The following is an entry in ClinVar:

ClinVar aggregate classification (germline): Uncertain significance (1 of 4 stars; one submission).

Conditions:
Glycogen storage disease, type VI (GSD6). Also called: Glycogen storage disease type 6; Hepatic glycogen phosphorylase deficiency; HERS DISEASE; PHOSPHORYLASE DEFICIENCY GLYCOGEN-STORAGE DISEASE OF LIVER; Glycogen storage disease type 6, due to phosphorylation; GSD VI. Identifiers: Orphanet 369, MedGen C0017925, MONDO:0009294, OMIM 232700.

Submission:

Labcorp Genetics (formerly Invitae), Labcorp
Classification: Uncertain significance for Glycogen storage disease, type VI. Last evaluated: 2021-04-11. Review status: criteria provided, single submitter. Criteria: Invitae Variant Classification Sherloc (09022015). Collection method: clinical testing. Allele origin: germline.
Comment: In summary, the available evidence is currently insufficient to determine the role of this variant in disease. Therefore, it has been classified as a Variant of Uncertain Significance. Algorithms developed to predict the effect of sequence changes on RNA splicing suggest that this variant may create or strengthen a splice site, but this prediction has not been confirmed by published transcriptional studies. Advanced modeling of protein sequence and biophysical properties (such as structural, functional, and spatial information, amino acid conservation, physicochemical variation, residue mobility, and thermodynamic stability) performed at Invitae indicates that this missense variant is not expected to disrupt PYGL protein function. This variant has not been reported in the literature in individuals with PYGL-related conditions. This variant is not present in population databases (ExAC no frequency). This sequence change replaces methionine with arginine at codon 92 of the PYGL protein (p.Met92Arg). The methionine residue is highly conserved and there is a moderate physicochemical difference between methionine and arginine.

NM_002863.5(PYGL):c.275T>G (p.Met92Arg)

Gene: PYGL (glycogen phosphorylase L; minus strand). Cytogenetic location: 14q22.1.
Variant type: single nucleotide variant.
Coding change: c.275T>G on transcript NM_002863.5 (MANE Select); coding-DNA position 275, T replaced by G.
Protein change: p.Met92Arg; replaces methionine 92 with arginine.
Molecular consequence: missense variant. On other transcripts: intron variant (1).
Genome position (GRCh38, 1-based): chr14:50,937,806, A>C on the plus strand (T>G on the coding strand, the complement: PYGL is on the minus strand). VCF-style: chr14-50937806-A-C. GRCh37 (hg19) VCF-style: chr14-51404524-A-C.
Other names: c.244-2621T>G (NM_001163940.2); short protein forms M92R.
Identifiers: ClinVar variation 1406309 (VCV001406309.8), dbSNP rs767745350, ClinGen allele CA389697779.